The following is an entry in ClinVar:

NM_001170700.3(DTHD1):c.2108A>G (p.Asp703Gly)

Gene: DTHD1 (death domain containing 1; plus strand). Cytogenetic location: 4p14.
Variant type: single nucleotide variant.
Coding change: c.2108A>G on transcript NM_001170700.3 (MANE Select); coding-DNA position 2108, A replaced by G.
Protein change: p.Asp703Gly; replaces aspartic acid 703 with glycine.
Molecular consequence: missense variant. On other transcripts: non-coding transcript variant (2).
Genome position (GRCh38, 1-based): chr4:36,316,254, A>G. VCF-style: chr4-36316254-A-G. GRCh37 (hg19) VCF-style: chr4-36317876-A-G.
Other names: c.1238A>G, p.Asp413Gly (NM_001136536.5); c.1175A>G, p.Asp392Gly (NM_001378435.1); short protein forms D392G, D703G, D413G.
Identifiers: ClinVar variation 2982170 (VCV002982170.3), dbSNP rs865988968, ClinGen allele CA95790214.
Genomic context (GRCh38, chr4:36,316,254, plus strand): 5'-CAAAGTGAGATAACTTAATGGTAATAAATACATTTTACTTCTATTTAGGCAACGGGAAGG[A>G]TTATGGAAAAGACTACACACTTATTTTTCACTTGCAAAGAAAACCTAGGCTGGAACTCCA-3'
Protein context (NP_001164171.2, residues 693-713): GNIFASSNGK[Asp703Gly]YGKDYTLIFH

ClinVar aggregate classification (germline): Uncertain significance (1 of 4 stars; one submission).

Allele frequency attached by ClinVar (database versions not stated): gnomAD exomes below 0.00001.
gnomAD v4.1: 2 of 1,550,730 alleles (0.00013%); highest among the groups gnomAD compares: Middle Eastern, 0.017%; no homozygotes.

Submission:

Labcorp Genetics (formerly Invitae), Labcorp
Classification: Uncertain significance. Last evaluated: 2022-10-26. Review status: criteria provided, single submitter. Criteria: Invitae Variant Classification Sherloc (09022015). Collection method: clinical testing. Allele origin: germline.
Comment: This sequence change replaces aspartic acid, which is acidic and polar, with glycine, which is neutral and non-polar, at codon 413 of the DTHD1 protein (p.Asp413Gly). This variant is not present in population databases (gnomAD no frequency). This variant has not been reported in the literature in individuals affected with DTHD1-related conditions. Algorithms developed to predict the effect of missense changes on protein structure and function (SIFT, PolyPhen-2, Align-GVGD) all suggest that this variant is likely to be disruptive. Algorithms developed to predict the effect of sequence changes on RNA splicing suggest that this variant may disrupt the consensus splice site. In summary, the available evidence is currently insufficient to determine the role of this variant in disease. Therefore, it has been classified as a Variant of Uncertain Significance.